The following is an entry in ClinVar:

NM_001953.5(TYMP):c.1160-8_1190del

Genes: SCO2 (synthesis of cytochrome C oxidase 2; minus strand), TYMP (thymidine phosphorylase; minus strand), LOC130067862 (ATAC-STARR-seq lymphoblastoid silent region 13986; plus strand). Cytogenetic location: 22q13.33.
Variant type: Deletion.
Coding change: c.1160-8_1190del on transcript NM_001953.5 (MANE Select); 8 bases into the intron before coding-DNA position 1160 through coding-DNA position 1190, 39 bases deleted.
Molecular consequence: splice acceptor variant. On other transcripts: inframe deletion (1), intron variant (1).
Genome position (GRCh38, 1-based): chr22:50,526,111-50,526,149, 39 bases deleted; deleting any 39 consecutive bases within chr22:50,526,111-50,526,151 gives the same sequence; the c. name uses the placement nearest the transcript's 3' end. GRCh37 (hg19): chr22:50,964,542-50,964,580.
Other names: c.1167_1205del, p.Pro390_Leu402del (NM_001257989.1); c.-14+97_-14+135del (NM_001169109.2); c.1160-8_1190del (NM_001257988.1, NM_001113755.3, NM_001113756.3).
Identifiers: ClinVar variation 1995421 (VCV001995421.4), dbSNP rs2522507176, ClinGen allele CA2580099954.

ClinVar aggregate classification (germline): Likely pathogenic (1 of 4 stars; one submission).

Submission:

Labcorp Genetics (formerly Invitae), Labcorp
Classification: Likely pathogenic. Last evaluated: 2022-05-17. Review status: criteria provided, single submitter. Criteria: Invitae Variant Classification Sherloc (09022015). Collection method: clinical testing. Allele origin: germline.
Comment: Algorithms developed to predict the effect of sequence changes on RNA splicing suggest that this variant may disrupt the consensus splice site. In summary, the currently available evidence indicates that the variant is pathogenic, but additional data are needed to prove that conclusively. Therefore, this variant has been classified as Likely Pathogenic. This variant results in the deletion of part of exon 9 (c.1160-8_1190del) of the TYMP gene. It is expected to disrupt RNA splicing. Variants that disrupt the donor or acceptor splice site typically lead to a loss of protein function (PMID: 16199547), and loss-of-function variants in TYMP are known to be pathogenic (PMID: 9924029, 15781193). This variant is not present in population databases (gnomAD no frequency). This variant has not been reported in the literature in individuals affected with TYMP-related conditions.

Literature cited by the submitters: PubMed 16199547; PubMed 9924029; PubMed 15781193.